The following is an entry in ClinVar:

ClinVar aggregate classification (germline): Conflicting classifications of pathogenicity. Review status: criteria provided, conflicting classifications (1 of 4 stars). 2 submissions from 2 submitters: Uncertain significance (1); Likely benign (1). Last evaluated 2020-05-22.

Conditions:
Autosomal recessive limb-girdle muscular dystrophy type 2J (LGMDR10). Also called: Limb-girdle muscular dystrophy, type 2J; MUSCULAR DYSTROPHY, LIMB-GIRDLE, AUTOSOMAL RECESSIVE 10. Identifiers: Orphanet 140922, MedGen C1837342, MONDO:0012127, OMIM 608807.
Dilated cardiomyopathy 1G (CMD1G). Identifiers: Orphanet 154, MedGen C1858763, MONDO:0011400, OMIM 604145.
Cardiovascular phenotype. Identifiers: MedGen CN230736.

Allele frequency attached by ClinVar (database versions not stated): ExAC 0.00001; gnomAD exomes 0.00001; TOPMed 0.00001; gnomAD 0.00002.
gnomAD v4.1: 8 of 1,613,176 alleles (0.0005%); highest among the groups gnomAD compares: East Asian, 0.0045%; no homozygotes.

Submissions (2):

Ambry Genetics
Classification: Likely benign for Cardiovascular phenotype. Last evaluated: 2020-05-22. Review status: criteria provided, single submitter. Criteria: Ambry Variant Classification Scheme 2023. Collection method: clinical testing. Allele origin: germline.

Labcorp Genetics (formerly Invitae), Labcorp
Classification: Uncertain significance for Dilated cardiomyopathy 1G; Autosomal recessive limb-girdle muscular dystrophy type 2J. Last evaluated: 2018-01-14. Review status: criteria provided, single submitter. Criteria: Invitae Variant Classification Sherloc (09022015). Collection method: clinical testing. Allele origin: germline.
Comment: This sequence change replaces histidine with arginine at codon 25656 of the TTN protein (p.His25656Arg). There is a small physicochemical difference between histidine and arginine. This variant is present in population databases (rs755172663, ExAC 0.01%). This variant has not been reported in the literature in individuals with TTN-related disease. This variant identified in the TTN gene is located in the A band of the resulting protein (PMID: 25589632). It is unclear how this variant impacts the function of this protein. Algorithms developed to predict the effect of missense changes on protein structure and function are unavailable for the TTN gene. Algorithms developed to predict the effect of sequence changes on RNA splicing suggest that this variant may create or strengthen a splice site, but this prediction has not been confirmed by published transcriptional studies. In summary, the available evidence is currently insufficient to determine the role of this variant in disease. Therefore, it has been classified as a Variant of Uncertain Significance.

Literature cited by the submitters: PubMed 25589632 (cited by Labcorp Genetics (formerly Invitae), Labcorp).

NM_001267550.2(TTN):c.76967A>G (p.His25656Arg)

Genes: TTN (titin; minus strand), TTN-AS1 (TTN antisense RNA 1; plus strand). Cytogenetic location: 2q31.2.
Variant type: single nucleotide variant.
Coding change: c.76967A>G on transcript NM_001267550.2 (MANE Select); coding-DNA position 76967, A replaced by G.
Protein change: p.His25656Arg; replaces histidine 25656 with arginine.
Molecular consequence: missense variant.
Genome position (GRCh38, 1-based): chr2:178,569,165, T>C on the plus strand (A>G on the coding strand, the complement: TTN is on the minus strand). VCF-style: chr2-178569165-T-C. GRCh37 (hg19) VCF-style: chr2-179433892-T-C.
Other names: c.72044A>G, p.His24015Arg (NM_001256850.1); c.49772A>G, p.His16591Arg (NM_003319.4); c.69263A>G, p.His23088Arg (NM_133378.4); c.50147A>G, p.His16716Arg (NM_133432.3); c.50348A>G, p.His16783Arg (NM_133437.4); short protein forms H25656R, H23088R, H16591R, H16783R, H24015R, H16716R.
Identifiers: ClinVar variation 575651 (VCV000575651.5), dbSNP rs755172663, ClinGen allele CA1989841.